The following is an entry in ClinVar:

ClinVar aggregate classification (germline): Uncertain significance (1 of 4 stars; one submission).

Submission:

GeneDx
Classification: Uncertain significance. Last evaluated: 2019-10-07. Review status: criteria provided, single submitter. Criteria: GeneDx Variant Classification Process June 2021. Collection method: clinical testing. Allele origin: germline. Affected: yes.
Comment: Not observed in large population cohorts (Lek 2016); In silico analysis, which includes protein predictors and evolutionary conservation, supports that this variant does not alter protein structure/function; Has not been previously published as pathogenic or benign to our knowledge

NM_001042492.3(NF1):c.1237T>A (p.Ser413Thr)

Gene: NF1 (neurofibromin 1; plus strand). Cytogenetic location: 17q11.2.
Variant type: single nucleotide variant.
Coding change: c.1237T>A on transcript NM_001042492.3 (MANE Select); coding-DNA position 1237, T replaced by A.
Protein change: p.Ser413Thr; replaces serine 413 with threonine.
Molecular consequence: missense variant.
Genome position (GRCh38, 1-based): chr17:31,201,462, T>A. VCF-style: chr17-31201462-T-A. GRCh37 (hg19) VCF-style: chr17-29528480-T-A.
Other names: c.1237T>A, p.Ser413Thr (NM_000267.4, NM_001128147.3); short protein forms S413T.
Identifiers: ClinVar variation 1315833 (VCV001315833.2), dbSNP rs1555611093, ClinGen allele CA398997665.